The following is an entry in ClinVar:

ClinVar aggregate classification (germline): Uncertain significance (1 of 4 stars; one submission).

Conditions:
Autosomal dominant limb-girdle muscular dystrophy type 1F (LGMDD2). Also called: Limb-girdle muscular dystrophy, type 1F; MUSCULAR DYSTROPHY, LIMB-GIRDLE, AUTOSOMAL DOMINANT 2. Identifiers: Orphanet 55595, MedGen C1842062, MONDO:0012034, OMIM 608423.

Submission:

Labcorp Genetics (formerly Invitae), Labcorp
Classification: Uncertain significance for Autosomal dominant limb-girdle muscular dystrophy type 1F. Last evaluated: 2025-10-21. Review status: criteria provided, single submitter. Criteria: Invitae Variant Classification Sherloc (09022015). Collection method: clinical testing. Allele origin: germline.
Comment: This sequence change creates a premature translational stop signal (p.Ser251*) in the TNPO3 gene. It is expected to result in an absent or disrupted protein product. However, the current clinical and genetic evidence is not sufficient to establish whether loss-of-function variants in TNPO3 cause disease. This variant is not present in population databases (gnomAD no frequency). This variant has not been reported in the literature in individuals affected with TNPO3-related conditions. In summary, the available evidence is currently insufficient to determine the role of this variant in disease. Therefore, it has been classified as a Variant of Uncertain Significance.

NM_012470.4(TNPO3):c.752C>G (p.Ser251Ter)

Gene: TNPO3 (transportin 3; minus strand). Cytogenetic location: 7q32.1.
Variant type: single nucleotide variant.
Coding change: c.752C>G on transcript NM_012470.4 (MANE Select); coding-DNA position 752, C replaced by G.
Protein change: p.Ser251Ter; replaces serine 251 with a stop codon.
Molecular consequence: nonsense. On other transcripts: non-coding transcript variant (18).
Genome position (GRCh38, 1-based): chr7:129,001,179, G>C on the plus strand (C>G on the coding strand, the complement: TNPO3 is on the minus strand). VCF-style: chr7-129001179-G-C. GRCh37 (hg19) VCF-style: chr7-128641233-G-C.
Other names: c.752C>G, p.Ser251Ter (NM_001191028.3, NM_001382216.1, NM_001382218.1 and 4 more transcripts); c.833C>G, p.Ser278Ter (NM_001382217.1); c.608C>G, p.Ser203Ter (NM_001382221.1); short protein forms S203*, S251*, S278*.
Identifiers: ClinVar variation 4797792 (VCV004797792.1).